The following is an entry in ClinVar:

ClinVar aggregate classification (germline): Benign/Likely benign. Review status: criteria provided, multiple submitters, no conflicts (2 of 4 stars). 4 submissions from 4 submitters: Benign (2); Likely benign (2). Last evaluated 2026-09-01.

Allele frequency attached by ClinVar (database versions not stated): ESP Exome Variant Server 0.00015; gnomAD exomes 0.00034 and 0.00081; gnomAD 0.00043 and 0.00055; TOPMed 0.00061; ExAC 0.00080; 1000 Genomes Project 0.00120; 1000 Genomes Project 30x 0.00125.
gnomAD v4.1: 609 of 1,614,228 alleles (0.038%); highest among the groups gnomAD compares: East Asian, 0.83%; 1 homozygote.

Submissions (4):

CeGaT Center for Human Genetics Tuebingen
Classification: Likely benign. Last evaluated: 2026-09-01. Review status: criteria provided, single submitter. Criteria: CeGaT Center For Human Genetics Tuebingen Variant Classification Criteria Version 2. Collection method: clinical testing. Allele origin: germline. Affected: yes. Observed: 5 variant alleles.
Comment: HERC2: BP4, BP7

Blueprint Genetics
Classification: Likely benign. Last evaluated: 2024-11-06. Review status: criteria provided, single submitter. Criteria: ACMG Guidelines, 2015. Collection method: clinical testing. Allele origin: germline.

Labcorp Genetics (formerly Invitae), Labcorp
Classification: Benign. Last evaluated: 2019-12-31. Review status: criteria provided, single submitter. Criteria: Invitae Variant Classification Sherloc (09022015). Collection method: clinical testing. Allele origin: germline.

Breakthrough Genomics
Classification: Benign. Review status: criteria provided, single submitter. Criteria: ACMG Guidelines, 2015. Collection method: not provided. Allele origin: germline. Inheritance: Autosomal recessive inheritance. Affected: yes.

NM_004667.6(HERC2):c.12147G>A (p.Lys4049=)

Gene: HERC2 (HECT and RLD domain containing E3 ubiquitin protein ligase 2; minus strand). Cytogenetic location: 15q13.1.
Variant type: single nucleotide variant.
Coding change: c.12147G>A on transcript NM_004667.6 (MANE Select); coding-DNA position 12147, G replaced by A.
Protein change: p.Lys4049=; no amino-acid change (lysine 4049 retained).
Molecular consequence: synonymous variant.
Genome position (GRCh38, 1-based): chr15:28,135,561, C>T on the plus strand (G>A on the coding strand, the complement: HERC2 is on the minus strand). VCF-style: chr15-28135561-C-T. GRCh37 (hg19) VCF-style: chr15-28380707-C-T.
Identifiers: ClinVar variation 713501 (VCV000713501.31), dbSNP rs139351974, ClinGen allele CA7440382.